The following is an entry in ClinVar:

ClinVar aggregate classification (germline): Pathogenic (1 of 4 stars; one submission).

Submission:

Labcorp Genetics (formerly Invitae), Labcorp
Classification: Pathogenic. Last evaluated: 2025-04-14. Review status: criteria provided, single submitter. Criteria: Invitae Variant Classification Sherloc (09022015). Collection method: clinical testing. Allele origin: germline.
Comment: This sequence change replaces tyrosine, which is neutral and polar, with aspartic acid, which is acidic and polar, at codon 1580 of the FLNB protein (p.Tyr1580Asp). This variant is not present in population databases (gnomAD no frequency). This missense change has been observed in individual(s) with FLNB-related conditions (internal data). In at least one individual the variant was observed to be de novo. ClinVar contains an entry for this variant (Variation ID: 2053849). Invitae Evidence Modeling of protein sequence and biophysical properties (such as structural, functional, and spatial information, amino acid conservation, physicochemical variation, residue mobility, and thermodynamic stability) has been performed for this missense variant. However, the output from this modeling did not meet the statistical confidence thresholds required to predict the impact of this variant on FLNB protein function. For these reasons, this variant has been classified as Pathogenic.

NM_001457.4(FLNB):c.4738T>G (p.Tyr1580Asp)

Gene: FLNB (filamin B; plus strand). Cytogenetic location: 3p14.3.
Variant type: single nucleotide variant.
Coding change: c.4738T>G on transcript NM_001457.4 (MANE Select); coding-DNA position 4738, T replaced by G.
Protein change: p.Tyr1580Asp; replaces tyrosine 1580 with aspartic acid.
Molecular consequence: missense variant.
Genome position (GRCh38, 1-based): chr3:58,136,045, T>G. VCF-style: chr3-58136045-T-G. GRCh37 (hg19) VCF-style: chr3-58121772-T-G.
Other names: c.4831T>G, p.Tyr1611Asp (NM_001164317.2); c.4738T>G, p.Tyr1580Asp (NM_001164318.2, NM_001164319.2); short protein forms Y1580D, Y1611D.
Identifiers: ClinVar variation 2053849 (VCV002053849.4), dbSNP rs2471165001, ClinGen allele CA353352059.